The following is an entry in ClinVar:

ClinVar aggregate classification (germline): Uncertain significance (1 of 4 stars; one submission).

Conditions:
Cystic fibrosis (CF). Also called: MUCOVISCIDOSIS. Identifiers: Orphanet 586, MedGen C0010674, MONDO:0009061, OMIM 219700. Disease mechanism: loss of function.

Submission:

Johns Hopkins Genomics, Johns Hopkins University
Classification: Uncertain significance for Cystic fibrosis. Last evaluated: 2024-05-08. Review status: criteria provided, single submitter. Criteria: ACMG Guidelines, 2015. Collection method: clinical testing. Allele origin: germline.
Comment: PM2, BP4

NM_000492.4(CFTR):c.273+4677G>C

Gene: CFTR (CF transmembrane conductance regulator; plus strand). Cytogenetic location: 7q31.2.
Variant type: single nucleotide variant.
Coding change: c.273+4677G>C on transcript NM_000492.4 (MANE Select); 4677 bases into the intron after coding-DNA position 273, G replaced by C.
Molecular consequence: intron variant.
Genome position (GRCh38, 1-based): chr7:117,513,819, G>C. VCF-style: chr7-117513819-G-C. GRCh37 (hg19) VCF-style: chr7-117153873-G-C.
Identifiers: ClinVar variation 4279997 (VCV004279997.1).